The following is an entry in ClinVar:

ClinVar aggregate classification (germline): Likely benign (1 of 4 stars; one submission).

Allele frequency attached by ClinVar (database versions not stated): TOPMed 0.00003; 1000 Genomes Project 0.00080; 1000 Genomes Project 30x 0.00172.

Submission:

GeneDx
Classification: Likely benign. Last evaluated: 2018-02-02. Review status: criteria provided, single submitter. Criteria: GeneDx Variant Classification (06012015). Collection method: clinical testing. Allele origin: germline. Affected: yes.
Comment: This variant is considered likely benign or benign based on one or more of the following criteria: it is a conservative change, it occurs at a poorly conserved position in the protein, it is predicted to be benign by multiple in silico algorithms, and/or has population frequency not consistent with disease.

NM_006612.6(KIF1C):c.-149+16G>A

Genes: KIF1C (kinesin family member 1C; plus strand), LOC130060061 (ATAC-STARR-seq lymphoblastoid silent region 8061; plus strand). Cytogenetic location: 17p13.2.
Variant type: single nucleotide variant.
Coding change: c.-149+16G>A on transcript NM_006612.6 (MANE Select); 16 bases into the intron after 149 bases upstream of the start codon, G replaced by A.
Molecular consequence: intron variant.
Genome position (GRCh38, 1-based): chr17:4,998,172, G>A. VCF-style: chr17-4998172-G-A. GRCh37 (hg19) VCF-style: chr17-4901467-G-A.
Identifiers: ClinVar variation 390513 (VCV000390513.1), dbSNP rs567299452, ClinGen allele CA16608517.
Genomic context (GRCh38, chr17:4,998,172, plus strand): 5'-TTGTCCCTCTCCGCCGAGCTGCTCCGGGAGCCCCGCCGCGCCGAGGTGAGGGCTGGGGAA[G>A]GGGGAGGGAAGGGACGCCCGCGGAGGAATGTGCCGGGTTGGGGGGCGGGGAGCCGGGGTC-3'